The following is an entry in ClinVar:

ClinVar aggregate classification (germline): Uncertain significance (1 of 4 stars; one submission).

Conditions:
Severe early-onset pulmonary alveolar proteinosis due to MARS deficiency. Also called: PULMONARY ALVEOLAR PROTEINOSIS, REUNION ISLAND; Interstitial lung and liver disease. Identifiers: Orphanet 440427, MedGen C4225400, MONDO:0014206, OMIM 615486.
Charcot-Marie-Tooth disease axonal type 2U. Also called: CHARCOT-MARIE-TOOTH NEUROPATHY, TYPE 2U; CHARCOT-MARIE-TOOTH DISEASE, AXONAL, AUTOSOMAL DOMINANT, TYPE 2U. Identifiers: Orphanet 397735, MedGen C4084821, MONDO:0014566, OMIM 616280.

Allele frequency attached by ClinVar (database versions not stated): gnomAD exomes below 0.00001; TOPMed below 0.00001; ExAC 0.00001.
gnomAD v4.1: 2 of 1,614,228 alleles (0.00012%); highest among the groups gnomAD compares: Admixed American, 0.0017%; no homozygotes.

Submission:

Labcorp Genetics (formerly Invitae), Labcorp
Classification: Uncertain significance for Charcot-Marie-Tooth disease axonal type 2U; Severe early-onset pulmonary alveolar proteinosis due to MARS deficiency. Last evaluated: 2022-09-01. Review status: criteria provided, single submitter. Criteria: Invitae Variant Classification Sherloc (09022015). Collection method: clinical testing. Allele origin: germline.
Comment: In summary, the available evidence is currently insufficient to determine the role of this variant in disease. Therefore, it has been classified as a Variant of Uncertain Significance. Algorithms developed to predict the effect of missense changes on protein structure and function (SIFT, PolyPhen-2, Align-GVGD) all suggest that this variant is likely to be disruptive. This variant has not been reported in the literature in individuals affected with MARS-related conditions. This variant is present in population databases (rs764548386, gnomAD 0.003%). This sequence change replaces arginine, which is basic and polar, with histidine, which is basic and polar, at codon 618 of the MARS protein (p.Arg618His).

NM_004990.4(MARS1):c.1853G>A (p.Arg618His)

Gene: MARS1 (methionyl-tRNA synthetase 1; plus strand). Cytogenetic location: 12q13.3.
Variant type: single nucleotide variant.
Coding change: c.1853G>A on transcript NM_004990.4 (MANE Select); coding-DNA position 1853, G replaced by A.
Protein change: p.Arg618His; replaces arginine 618 with histidine.
Molecular consequence: missense variant.
Genome position (GRCh38, 1-based): chr12:57,512,850, G>A. VCF-style: chr12-57512850-G-A. GRCh37 (hg19) VCF-style: chr12-57906633-G-A.
Other names: short protein forms R618H.
Identifiers: ClinVar variation 2138566 (VCV002138566.4), dbSNP rs764548386, ClinGen allele CA6650638.